The following is an entry in ClinVar:

ClinVar aggregate classification (germline): Conflicting classifications of pathogenicity. Review status: criteria provided, conflicting classifications (1 of 4 stars). 5 submissions from 5 submitters: Pathogenic (1); Likely pathogenic (1); Uncertain significance (3). Last evaluated 2026-08-06.

Conditions:
Cardiovascular phenotype. Identifiers: MedGen CN230736.
Cardiomyopathy (CMYO). Also called: Cardiomyopathies. Identifiers: Orphanet 167848, MedGen C0878544, MONDO:0004994, HP:0001638. Inheritance: Various modes of inheritance.
Hypertrophic cardiomyopathy. Also called: HYPERTROPHIC MYOCARDIOPATHY. Identifiers: Orphanet 217569, MedGen C0007194, MeSH D002312, MONDO:0005045, HP:0001639.

gnomAD v4.1: 6 of 1,614,146 alleles (0.00037%); highest among the groups gnomAD compares: Non-Finnish European, 0.00051%; no homozygotes.

Submissions (5):

GeneDx
Classification: Likely pathogenic. Last evaluated: 2026-08-06. Review status: criteria provided, single submitter. Criteria: GeneDx Variant Classification Process June 2021. Collection method: clinical testing. Allele origin: germline.
Comment: Identified in patients with HCM in published literature and in a pediatric patient with an unspecified cardiomyopathy (PMID: 32746448, 38002985, 37652022, 12820698, 40225148); Not observed at significant frequency in large population cohorts (gnomAD); In silico analysis supports that this missense variant has a deleterious effect on protein structure/function; This variant is associated with the following publications: (PMID: 12820698, 27387980, 40225148, 32746448, 37652022, 38002985, 27532257, 29300372)

Labcorp Genetics (formerly Invitae), Labcorp
Classification: Pathogenic for Hypertrophic cardiomyopathy. Last evaluated: 2025-08-21. Review status: criteria provided, single submitter. Criteria: Invitae Variant Classification Sherloc (09022015). Collection method: clinical testing. Allele origin: germline.
Comment: This sequence change replaces glycine, which is neutral and non-polar, with arginine, which is basic and polar, at codon 571 of the MYH7 protein (p.Gly571Arg). This variant is not present in population databases (gnomAD no frequency). This missense change has been observed in individuals with hypertrophic cardiomyopathy (PMID: 12820698, 32746448, 37652022, 38002985). ClinVar contains an entry for this variant (Variation ID: 181353). Invitae Evidence Modeling of protein sequence and biophysical properties (such as structural, functional, and spatial information, amino acid conservation, physicochemical variation, residue mobility, and thermodynamic stability) indicates that this missense variant is expected to disrupt MYH7 protein function with a positive predictive value of 95%. For these reasons, this variant has been classified as Pathogenic.

Color Diagnostics, LLC DBA Color Health
Classification: Uncertain significance for Cardiomyopathy. Last evaluated: 2025-07-25. Review status: criteria provided, single submitter. Criteria: ACMG Guidelines, 2015. Collection method: clinical testing. Allele origin: germline.
Comment: This missense variant replaces glycine with arginine at codon 571 of the MYH7 protein. Computational prediction is inconclusive regarding the impact of this variant on protein structure and function. To our knowledge, functional studies have not been reported for this variant. This variant has been reported in an individual affected with hypertrophic cardiomyopathy (PMID: 12820698). A different nucleotide causing the same amino acid change (c.1711G>A p.Gly571Arg) has been reported in individuals affected with hypertrophic cardiomyopathy and left ventricular hypertrophy (PMID: 29875424, 32746448, 34310159, 38002985). This variant has not been identified in the general population by the Genome Aggregation Database (gnomAD). The available evidence is insufficient to determine the role of this variant in disease conclusively. Therefore, this variant is classified as a Variant of Uncertain Significance.

All of Us Research Program, National Institutes of Health
Classification: Uncertain significance for Cardiomyopathy. Last evaluated: 2024-09-23. Review status: criteria provided, single submitter. Criteria: ACMG Guidelines, 2015. Collection method: clinical testing. Allele origin: germline. Inheritance: Autosomal dominant inheritance. Observed: 3 variant alleles, 3 heterozygotes.
Comment: This study involves interpretation of variants in research participants for the purpose of population health screening. Participant phenotype was not available at the time of variant classification. Additional details can be found in publication PMID: 35346344, PMCID: PMC8962531

Ambry Genetics
Classification: Uncertain significance for Cardiovascular phenotype. Last evaluated: 2021-05-10. Review status: criteria provided, single submitter. Criteria: Ambry Variant Classification Scheme 2023. Collection method: clinical testing. Allele origin: germline.
Comment: The p.G571R variant (also known as c.1711G>A), located in coding exon 14 of the MYH7 gene, results from a G to A substitution at nucleotide position 1711. This alteration is located in the myosin head domain, which contains a statistically significant clustering of pathogenic missense variants (Homburger JR et al. Proc Natl Acad Sci U S A, 2016 06;113:6701-6; Walsh R et al. Genet Med, 2017 02;19:192-203; Ambry internal data). The glycine at codon 571 is replaced by arginine, an amino acid with dissimilar properties. This variant, and a similar change (p.G571R, c.1711G>C), have been reported in hypertrophic cardiomyopathy (HCM) cohorts; however, clinical details were limited in most cases (Mohiddin SA et al. Genet Test, 2003;7:21-7; Homburger JR et al. Proc Natl Acad Sci U S A, 2016 06;113:6701-6; Mazzarotto F et al. Genet Med, 2019 02;21:284-292). This amino acid position is highly conserved in available vertebrate species. In addition, this alteration is predicted to be deleterious by in silico analysis. Since supporting evidence is limited at this time, the clinical significance of this alteration remains unclear.

Literature cited by the submitters: PubMed 12820698 (cited by 3 submitters); PubMed 32746448 (cited by Labcorp Genetics (formerly Invitae), Labcorp and Color Diagnostics, LLC DBA Color Health); PubMed 37652022 (cited by Labcorp Genetics (formerly Invitae), Labcorp); PubMed 38002985 (cited by Labcorp Genetics (formerly Invitae), Labcorp and Color Diagnostics, LLC DBA Color Health); PubMed 29875424 (cited by Color Diagnostics, LLC DBA Color Health and Ambry Genetics); PubMed 34310159 (cited by Color Diagnostics, LLC DBA Color Health); PubMed 23408646 (cited by Ambry Genetics).

NM_000257.4(MYH7):c.1711G>A (p.Gly571Arg)

Gene: MYH7 (myosin heavy chain 7; minus strand). Cytogenetic location: 14q11.2.
Variant type: single nucleotide variant.
Coding change: c.1711G>A on transcript NM_000257.4 (MANE Select); coding-DNA position 1711, G replaced by A.
Protein change: p.Gly571Arg; replaces glycine 571 with arginine.
Molecular consequence: missense variant.
Genome position (GRCh38, 1-based): chr14:23,427,762, C>T on the plus strand (G>A on the coding strand, the complement: MYH7 is on the minus strand). VCF-style: chr14-23427762-C-T. GRCh37 (hg19) VCF-style: chr14-23896971-C-T.
Other names: p.G571R:GGG>AGG; c.1711G>A (LRG_384t1); short protein forms G571R.
Identifiers: ClinVar variation 181353 (VCV000181353.16), dbSNP rs730880879, ClinGen allele CA011155.
Genomic context (GRCh38, chr14:23,427,762, plus strand): 5'-TGATGTTGTAGTCCACGATGCCGGCATAGTGGATCAGGGAGAAGTGGGCTTCAGGCTTCC[C>T]CTTGATATTGCGTGGCTTCTGGAAGTTGGCGGATTTGCCCAGGTGGTTGTCAAACAGCTT-3'
Protein context (NP_000248.2, residues 561-581): ANFQKPRNIK[Gly571Arg]KPEAHFSLIH